The following is an entry in ClinVar:

ClinVar aggregate classification (germline): Uncertain significance (1 of 4 stars; one submission).

Allele frequency attached by ClinVar (database versions not stated): gnomAD exomes below 0.00001.
gnomAD v4.1: 1 of 1,608,792 alleles (0.000062%); highest among the groups gnomAD compares: Admixed American, 0.0017%; no homozygotes.

Submission:

Labcorp Genetics (formerly Invitae), Labcorp
Classification: Uncertain significance. Last evaluated: 2022-07-29. Review status: criteria provided, single submitter. Criteria: Invitae Variant Classification Sherloc (09022015). Collection method: clinical testing. Allele origin: germline.
Comment: This sequence change replaces valine, which is neutral and non-polar, with isoleucine, which is neutral and non-polar, at codon 1858 of the HERC1 protein (p.Val1858Ile). In summary, the available evidence is currently insufficient to determine the role of this variant in disease. Therefore, it has been classified as a Variant of Uncertain Significance. Algorithms developed to predict the effect of missense changes on protein structure and function are either unavailable or do not agree on the potential impact of this missense change (SIFT: "Deleterious"; PolyPhen-2: "Benign"; Align-GVGD: "Class C25"). This variant has not been reported in the literature in individuals affected with HERC1-related conditions. The frequency data for this variant in the population databases is considered unreliable, as metrics indicate poor data quality at this position in the gnomAD database.

NM_003922.4(HERC1):c.5572G>A (p.Val1858Ile)

Gene: HERC1 (HECT and RLD domain containing E3 ubiquitin protein ligase family member 1; minus strand). Cytogenetic location: 15q22.31.
Variant type: single nucleotide variant.
Coding change: c.5572G>A on transcript NM_003922.4 (MANE Select); coding-DNA position 5572, G replaced by A.
Protein change: p.Val1858Ile; replaces valine 1858 with isoleucine.
Molecular consequence: missense variant.
Genome position (GRCh38, 1-based): chr15:63,694,066, C>T on the plus strand (G>A on the coding strand, the complement: HERC1 is on the minus strand). VCF-style: chr15-63694066-C-T. GRCh37 (hg19) VCF-style: chr15-63986265-C-T.
Other names: short protein forms V1858I.
Identifiers: ClinVar variation 2147725 (VCV002147725.4), dbSNP rs1410347986, ClinGen allele CA392746794.